The following is an entry in ClinVar:

ClinVar aggregate classification (germline): Pathogenic/Likely pathogenic. Review status: criteria provided, multiple submitters, no conflicts (2 of 4 stars). 2 submissions from 2 submitters: Pathogenic (1); Likely pathogenic (1). Last evaluated 2025-03-15.

Conditions:
SLC7A9-related disorder. Also called: SLC7A9-related condition.
Cystinuria (CSNU). Also called: CYSTINURIA, TYPE I; CYSTINURIA, TYPE II; CYSTINURIA, TYPE III; Cystinuria, non-type I. Identifiers: Orphanet 214, MedGen C0010691, MONDO:0009067, OMIM 220100, HP:0003131.

Allele frequency attached by ClinVar (database versions not stated): gnomAD exomes 0.00005.
gnomAD v4.1: 67 of 1,613,508 alleles (0.0042%); highest among the groups gnomAD compares: Non-Finnish European, 0.0057%; no homozygotes.

Submissions (2):

PreventionGenetics, part of Exact Sciences
Classification: Likely pathogenic for SLC7A9-related condition. Last evaluated: 2025-03-15. Review status: criteria provided, single submitter. Criteria: ACMG Guidelines, 2015. Collection method: clinical testing. Allele origin: germline.
Comment: The SLC7A9 c.1400-2A>G variant is predicted to disrupt the AG splice acceptor site and interfere with normal splicing. This variant has been reported in individuals with Cystinuria (unspecified zygosity, Wong et al. 2015. PubMed ID: 25109415; heterozygous, Halbritter et al. 2014. PubMed ID: 25296721). This variant has not been reported in a large population database (gnomAD), indicating this variant is rare. This variant is interpreted as likely pathogenic.

Fulgent Genetics
Classification: Pathogenic for Cystinuria. Last evaluated: 2022-01-26. Review status: criteria provided, single submitter. Criteria: ACMG Guidelines, 2015. Collection method: clinical testing. Allele origin: unknown.

NM_014270.5(SLC7A9):c.1400-2A>G

Gene: SLC7A9 (solute carrier family 7 member 9; minus strand). Cytogenetic location: 19q13.11.
Variant type: single nucleotide variant.
Coding change: c.1400-2A>G on transcript NM_014270.5 (MANE Select); the canonical splice acceptor site of the intron before coding-DNA position 1400, A replaced by G.
Molecular consequence: splice acceptor variant.
Genome position (GRCh38, 1-based): chr19:32,830,686, T>C on the plus strand (A>G on the coding strand, the complement: SLC7A9 is on the minus strand). VCF-style: chr19-32830686-T-C. GRCh37 (hg19) VCF-style: chr19-33321592-T-C.
Other names: c.1400-2A>G (NM_001126335.2, NM_001243036.2).
Identifiers: ClinVar variation 1323616 (VCV001323616.4), dbSNP rs2145788754, ClinGen allele CA405196055.
Genomic context (GRCh38, chr19:32,830,686, plus strand): 5'-AGGGTCTTCCTCCGGTGGGACCACTTCCATTAGCATCTGAAGGTGCATGGTAATCGGCTC[T>C]GAAATAAGAGTCAAAAATGAGTACAGTTAGTTAGACTGAAATTCGAAAGTTTCACTGGAG-3'